The following is an entry in ClinVar:

ClinVar aggregate classification (germline): Uncertain significance. Review status: criteria provided, multiple submitters, no conflicts (2 of 4 stars). 2 submissions from 2 submitters: Uncertain significance (2). Last evaluated 2025-08-11.

Allele frequency attached by ClinVar (database versions not stated): ExAC 0.00003; TOPMed 0.00003; gnomAD 0.00005; ESP Exome Variant Server 0.00008; gnomAD exomes 0.00013.
gnomAD v4.1: 194 of 1,614,046 alleles (0.012%); highest among the groups gnomAD compares: Non-Finnish European, 0.016%; no homozygotes.

Submissions (2):

Labcorp Genetics (formerly Invitae), Labcorp
Classification: Uncertain significance. Last evaluated: 2025-08-11. Review status: criteria provided, single submitter. Criteria: Invitae Variant Classification Sherloc (09022015). Collection method: clinical testing. Allele origin: germline.
Comment: This sequence change replaces histidine, which is basic and polar, with tyrosine, which is neutral and polar, at codon 123 of the SHPK protein (p.His123Tyr). This variant is present in population databases (rs139301054, gnomAD 0.009%). This variant has not been reported in the literature in individuals affected with SHPK-related conditions. ClinVar contains an entry for this variant (Variation ID: 1896618). An algorithm developed to predict the effect of missense changes on protein structure and function (PolyPhen-2) suggests that this variant is likely to be tolerated. In summary, the available evidence is currently insufficient to determine the role of this variant in disease. Therefore, it has been classified as a Variant of Uncertain Significance.

Ambry Genetics
Classification: Uncertain significance. Last evaluated: 2025-08-05. Review status: criteria provided, single submitter. Criteria: Ambry Variant Classification Scheme 2023. Collection method: clinical testing. Allele origin: germline.

NM_013276.4(SHPK):c.367C>T (p.His123Tyr)

Genes: SHPK (sedoheptulokinase; minus strand), LOC126862464 (MED14-independent group 3 enhancer GRCh37_chr17:3526895-3528094; plus strand). Cytogenetic location: 17p13.2.
Variant type: single nucleotide variant.
Coding change: c.367C>T on transcript NM_013276.4 (MANE Select); coding-DNA position 367, C replaced by T.
Protein change: p.His123Tyr; replaces histidine 123 with tyrosine.
Molecular consequence: missense variant.
Genome position (GRCh38, 1-based): chr17:3,624,175, G>A on the plus strand (C>T on the coding strand, the complement: SHPK is on the minus strand). VCF-style: chr17-3624175-G-A. GRCh37 (hg19) VCF-style: chr17-3527469-G-A.
Other names: c.367C>T (NM_013276.2); short protein forms H123Y.
Identifiers: ClinVar variation 1896618 (VCV001896618.6), dbSNP rs139301054, ClinGen allele CA8291352.